The following is an entry in ClinVar:

ClinVar aggregate classification (germline): Uncertain significance (1 of 4 stars; one submission).

Conditions:
Immunodeficiency 39 (IMD39). Identifiers: Orphanet 574918, MedGen C4225358, MONDO:0014597, OMIM 616345.

Submission:

Labcorp Genetics (formerly Invitae), Labcorp
Classification: Uncertain significance for Immunodeficiency 39. Last evaluated: 2022-03-11. Review status: criteria provided, single submitter. Criteria: Invitae Variant Classification Sherloc (09022015). Collection method: clinical testing. Allele origin: germline.
Comment: This variant has not been reported in the literature in individuals affected with IRF7-related conditions. In summary, the available evidence is currently insufficient to determine the role of this variant in disease. Therefore, it has been classified as a Variant of Uncertain Significance. Algorithms developed to predict the effect of missense changes on protein structure and function (SIFT, PolyPhen-2, Align-GVGD) all suggest that this variant is likely to be tolerated. This variant is not present in population databases (gnomAD no frequency). This sequence change replaces leucine, which is neutral and non-polar, with arginine, which is basic and polar, at codon 266 of the IRF7 protein (p.Leu266Arg).

NM_001572.5(IRF7):c.758T>G (p.Leu253Arg)

Gene: IRF7 (interferon regulatory factor 7; minus strand). Cytogenetic location: 11p15.5.
Variant type: single nucleotide variant.
Coding change: c.758T>G on transcript NM_001572.5 (MANE Select); coding-DNA position 758, T replaced by G.
Protein change: p.Leu253Arg; replaces leucine 253 with arginine.
Molecular consequence: missense variant. On other transcripts: intron variant (1).
Genome position (GRCh38, 1-based): chr11:613,959, A>C on the plus strand (T>G on the coding strand, the complement: IRF7 is on the minus strand). VCF-style: chr11-613959-A-C. GRCh37 (hg19) VCF-style: chr11-613959-A-C.
Other names: c.797T>G, p.Leu266Arg (NM_004031.4); c.680-94T>G (NM_004029.4); short protein forms L266R, L253R.
Identifiers: ClinVar variation 2101787 (VCV002101787.4), dbSNP rs2493916617, ClinGen allele CA378980104.